The following is an entry in ClinVar:

NM_006371.5(CRTAP):c.282C>T (p.Pro94=)

Gene: CRTAP (cartilage associated protein; plus strand). Cytogenetic location: 3p22.3.
Variant type: single nucleotide variant.
Coding change: c.282C>T on transcript NM_006371.5 (MANE Select); coding-DNA position 282, C replaced by T.
Protein change: p.Pro94=; no amino-acid change (proline 94 retained).
Molecular consequence: synonymous variant.
Genome position (GRCh38, 1-based): chr3:33,114,359, C>T. VCF-style: chr3-33114359-C-T. GRCh37 (hg19) VCF-style: chr3-33155851-C-T.
Other names: c.282C>T, p.Pro94= (NM_001393363.1, NM_001393364.1, NM_001393365.1).
Identifiers: ClinVar variation 344806 (VCV000344806.14), dbSNP rs540998437, ClinGen allele CA2300239.

ClinVar aggregate classification (germline): Conflicting classifications of pathogenicity. Review status: criteria provided, conflicting classifications (1 of 4 stars). 4 submissions from 4 submitters: Uncertain significance (2); Likely benign (1). 1 of the submissions does not count toward it. Last evaluated 2026-01-17.

Conditions:
CRTAP-related disorder. Also called: CRTAP-related condition.
Osteogenesis imperfecta (OI). Identifiers: Orphanet 666, MedGen C0029434, MeSH D010013, MONDO:0019019.
Osteogenesis imperfecta type 7 (OI7). Also called: OI type 7; OI type VII; OSTEOGENESIS IMPERFECTA, TYPE IIB; Osteogenesis imperfecta type 2B; OI type 2B; Osteogenesis imperfecta, perinatal lethal autosomal recessive. Identifiers: MedGen C1853162, MONDO:0012536, OMIM 610682.

Allele frequency attached by ClinVar (database versions not stated): ExAC below 0.00001; gnomAD exomes 0.00001 and 0.00003; gnomAD 0.00002 and 0.00004; TOPMed 0.00002; 1000 Genomes Project 30x 0.00016; 1000 Genomes Project 0.00020.
gnomAD v4.1: 56 of 1,522,416 alleles (0.0037%); highest among the groups gnomAD compares: African/African-American, 0.033%; 1 homozygote.

Submissions (4):

Labcorp Genetics (formerly Invitae), Labcorp
Classification: Likely benign for Osteogenesis imperfecta type 7. Last evaluated: 2026-01-17. Review status: criteria provided, single submitter. Criteria: Invitae Variant Classification Sherloc (09022015). Collection method: clinical testing. Allele origin: germline.

Genome Diagnostics Laboratory, The Hospital for Sick Children
Classification: Uncertain significance for Osteogenesis imperfecta. Last evaluated: 2021-03-03. Review status: criteria provided, single submitter. Criteria: ACMG Guidelines, 2015. Collection method: clinical testing. Allele origin: germline.

Illumina Laboratory Services, Illumina
Classification: Uncertain significance for Osteogenesis imperfecta type 7. Last evaluated: 2018-01-13. Review status: criteria provided, single submitter. Criteria: ICSL Variant Classification Criteria 13 December 2019. Collection method: clinical testing. Allele origin: germline.

PreventionGenetics, part of Exact Sciences
Classification: Likely benign for CRTAP-related condition. Last evaluated: 2019-05-28. Review status: no assertion criteria provided. Collection method: clinical testing. Allele origin: germline. Not counted in ClinVar's aggregate classification.
Comment: This variant is classified as likely benign based on ACMG/AMP sequence variant interpretation guidelines (Richards et al. 2015 PMID: 25741868, with internal and published modifications).